The following is an entry in ClinVar:

NM_001048174.2(MUTYH):c.1479G>C (p.Lys493Asn)

Gene: MUTYH (mutY DNA glycosylase; minus strand). Cytogenetic location: 1p34.1.
Variant type: single nucleotide variant.
Coding change: c.1479G>C on transcript NM_001048174.2 (MANE Select); coding-DNA position 1479, G replaced by C.
Protein change: p.Lys493Asn; replaces lysine 493 with asparagine.
Molecular consequence: missense variant. On other transcripts: non-coding transcript variant (7).
Genome position (GRCh38, 1-based): chr1:45,329,393, C>G on the plus strand (G>C on the coding strand, the complement: MUTYH is on the minus strand). VCF-style: chr1-45329393-C-G. GRCh37 (hg19) VCF-style: chr1-45795065-C-G.
Other names: c.1479G>C, p.Lys493Asn (NM_001048171.2, NM_001048173.2, NM_001293195.2 and 6 more transcripts); c.1482G>C, p.Lys494Asn (NM_001048172.2, NM_001407071.1, NM_001407078.1 and 1 more transcripts); c.1563G>C, p.Lys521Asn (NM_001128425.2); c.1524G>C, p.Lys508Asn (NM_001293190.2); c.1512G>C, p.Lys504Asn (NM_001293191.2, NM_001407069.1, NM_001407077.1); c.1203G>C, p.Lys401Asn (NM_001293192.2, NM_001293196.2, NM_001407091.1); c.1134G>C, p.Lys378Asn (NM_001350650.2, NM_001350651.2, NM_001407082.1); c.1395G>C, p.Lys465Asn (NM_001407075.1); and 5 more; short protein forms K479N, K494N, K500N, K518N, K378N, K480N, K401N, K465N.
Identifiers: ClinVar variation 4113369 (VCV004113369.1).

ClinVar aggregate classification (germline): Uncertain significance (1 of 4 stars; one submission).

Conditions:
Hereditary cancer-predisposing syndrome. Also called: Tumor predisposition; Neoplastic Syndromes, Hereditary; Hereditary neoplastic syndrome; Hereditary Cancer Syndrome. Identifiers: Orphanet 140162, MedGen C0027672, MeSH D009386, MONDO:0015356.

Submission:

Ambry Genetics
Classification: Uncertain significance for Hereditary cancer-predisposing syndrome. Last evaluated: 2025-08-27. Review status: criteria provided, single submitter. Criteria: Ambry Variant Classification Scheme 2023. Collection method: clinical testing. Allele origin: germline.
Comment: The p.K521N variant (also known as c.1563G>C), located in coding exon 16 of the MUTYH gene, results from a G to C substitution at nucleotide position 1563. The lysine at codon 521 is replaced by asparagine, an amino acid with similar properties. This amino acid position is conserved. In addition, this alteration is predicted to be tolerated by in silico analysis. Based on the available evidence, the clinical significance of this variant remains unclear.